The following is an entry in ClinVar:

NM_000751.3(CHRND):c.1238G>A (p.Arg413His)

Gene: CHRND (cholinergic receptor nicotinic delta subunit; plus strand). Cytogenetic location: 2q37.1.
Variant type: single nucleotide variant.
Coding change: c.1238G>A on transcript NM_000751.3 (MANE Select); coding-DNA position 1238, G replaced by A.
Protein change: p.Arg413His; replaces arginine 413 with histidine.
Molecular consequence: missense variant.
Genome position (GRCh38, 1-based): chr2:232,534,121, G>A. VCF-style: chr2-232534121-G-A. GRCh37 (hg19) VCF-style: chr2-233398831-G-A.
Other names: c.1193G>A, p.Arg398His (NM_001256657.2); c.656G>A, p.Arg219His (NM_001311195.2); c.935G>A, p.Arg312His (NM_001311196.2); short protein forms R398H, R312H, R413H, R219H.
Identifiers: ClinVar variation 2850946 (VCV002850946.3), dbSNP rs757950320, ClinGen allele CA2168296.

ClinVar aggregate classification (germline): Uncertain significance (1 of 4 stars; one submission).

Conditions:
Lethal multiple pterygium syndrome (LMPS). Identifiers: Orphanet 33108, MedGen C1854678, MONDO:0009668, OMIM 253290.

Allele frequency attached by ClinVar (database versions not stated): ExAC 0.00001; gnomAD exomes 0.00001; TOPMed 0.00002.
gnomAD v4.1: 17 of 1,613,892 alleles (0.0011%); highest among the groups gnomAD compares: Admixed American, 0.0083%; no homozygotes.

Submission:

Labcorp Genetics (formerly Invitae), Labcorp
Classification: Uncertain significance for Lethal multiple pterygium syndrome. Last evaluated: 2025-10-02. Review status: criteria provided, single submitter. Criteria: Invitae Variant Classification Sherloc (09022015). Collection method: clinical testing. Allele origin: germline.
Comment: This sequence change replaces arginine, which is basic and polar, with histidine, which is basic and polar, at codon 413 of the CHRND protein (p.Arg413His). This variant is present in population databases (rs757950320, gnomAD 0.01%). This variant has not been reported in the literature in individuals affected with CHRND-related conditions. ClinVar contains an entry for this variant (Variation ID: 2850946). Invitae Evidence Modeling of protein sequence and biophysical properties (such as structural, functional, and spatial information, amino acid conservation, physicochemical variation, residue mobility, and thermodynamic stability) has been performed for this missense variant. However, the output from this modeling did not meet the statistical confidence thresholds required to predict the impact of this variant on CHRND protein function. In summary, the available evidence is currently insufficient to determine the role of this variant in disease. Therefore, it has been classified as a Variant of Uncertain Significance.